The following is an entry in ClinVar:

ClinVar aggregate classification (germline): Uncertain significance (1 of 4 stars; one submission).

Submission:

GeneDx
Classification: Uncertain significance. Last evaluated: 2023-03-23. Review status: criteria provided, single submitter. Criteria: GeneDx Variant Classification Process June 2021. Collection method: clinical testing. Allele origin: germline. Affected: yes.
Comment: Not observed at significant frequency in large population cohorts (gnomAD); In silico analysis supports that this missense variant has a deleterious effect on protein structure/function; Has not been previously published as pathogenic or benign to our knowledge

NM_006267.5(RANBP2):c.1126T>C (p.Phe376Leu)

Gene: RANBP2 (RAN binding protein 2; plus strand). Cytogenetic location: 2q13.
Variant type: single nucleotide variant.
Coding change: c.1126T>C on transcript NM_006267.5 (MANE Select); coding-DNA position 1126, T replaced by C.
Protein change: p.Phe376Leu; replaces phenylalanine 376 with leucine.
Molecular consequence: missense variant.
Genome position (GRCh38, 1-based): chr2:108,748,982, T>C. VCF-style: chr2-108748982-T-C. GRCh37 (hg19) VCF-style: chr2-109365438-T-C.
Other names: c.1126T>C, p.Phe376Leu (NM_001415871.1, NM_001415873.1); c.1123T>C, p.Phe375Leu (NM_001415872.1); short protein forms F375L, F376L.
Identifiers: ClinVar variation 2580672 (VCV002580672.1), dbSNP rs2467478791, ClinGen allele CA348046761.